The following is an entry in ClinVar:

ClinVar aggregate classification (germline): Uncertain significance (1 of 4 stars; one submission).

Conditions:
T-B+ severe combined immunodeficiency due to JAK3 deficiency. Also called: SCID, autosomal recessive, T-negative/B-positive type; SCID, T CELL-NEGATIVE, B CELL-POSITIVE, NK CELL-NEGATIVE. Identifiers: Orphanet 35078, MedGen C1833275, MONDO:0010938, OMIM 600802.

Allele frequency attached by ClinVar (database versions not stated): TOPMed 0.00001; ExAC 0.00003; gnomAD exomes 0.00001.
gnomAD v4.1: 21 of 1,608,398 alleles (0.0013%); highest among the groups gnomAD compares: African/African-American, 0.0053%; no homozygotes.

Submission:

Labcorp Genetics (formerly Invitae), Labcorp
Classification: Uncertain significance for T-B+ severe combined immunodeficiency due to JAK3 deficiency. Last evaluated: 2022-05-04. Review status: criteria provided, single submitter. Criteria: Invitae Variant Classification Sherloc (09022015). Collection method: clinical testing. Allele origin: germline.
Comment: This sequence change replaces glycine, which is neutral and non-polar, with arginine, which is basic and polar, at codon 36 of the JAK3 protein (p.Gly36Arg). This variant is present in population databases (rs769828760, gnomAD 0.005%). This variant has not been reported in the literature in individuals affected with JAK3-related conditions. Algorithms developed to predict the effect of missense changes on protein structure and function are either unavailable or do not agree on the potential impact of this missense change (SIFT: "Tolerated"; PolyPhen-2: "Possibly Damaging"; Align-GVGD: "Class C0"). In summary, the available evidence is currently insufficient to determine the role of this variant in disease. Therefore, it has been classified as a Variant of Uncertain Significance.

NM_000215.4(JAK3):c.106G>A (p.Gly36Arg)

Gene: JAK3 (Janus kinase 3; minus strand). Cytogenetic location: 19p13.11.
Variant type: single nucleotide variant.
Coding change: c.106G>A on transcript NM_000215.4 (MANE Select); coding-DNA position 106, G replaced by A.
Protein change: p.Gly36Arg; replaces glycine 36 with arginine.
Molecular consequence: missense variant.
Genome position (GRCh38, 1-based): chr19:17,844,312, C>T on the plus strand (G>A on the coding strand, the complement: JAK3 is on the minus strand). VCF-style: chr19-17844312-C-T. GRCh37 (hg19) VCF-style: chr19-17955121-C-T.
Other names: short protein forms G36R.
Identifiers: ClinVar variation 1981508 (VCV001981508.1), dbSNP rs769828760, ClinGen allele CA9302264.
Genomic context (GRCh38, chr19:17,844,312, plus strand): 5'-GCACGCACAGGTCCTCAGCCAAGTGGTCCCCAAAGGAGAAAGATAGGCGCTGGGGGGGCC[C>T]GGGGCCCCGAGCGGGCAGCAGCACATGCAGGGCACCAGCCTCCGTGGACAAGAGGCTGCA-3'
Protein context (NP_000206.2, residues 26-46): LHVLLPARGP[Gly36Arg]PPQRLSFSFG